The following is an entry in ClinVar:

ClinVar aggregate classification (germline): Conflicting classifications of pathogenicity. Review status: criteria provided, conflicting classifications (1 of 4 stars). 6 submissions from 6 submitters: Likely pathogenic (1); Uncertain significance (5). Last evaluated 2023-03-01.

Conditions:
Charcot-Marie-Tooth disease type 2. Also called: Charcot-Marie-Tooth type 2. Identifiers: Orphanet 64746, MedGen C0270914, MONDO:0018993.
Congenital cataract-microcephaly-nevus flammeus simplex-severe intellectual disability syndrome. Also called: Basel-Vanagaite-Smirin-Yosef syndrome. Identifiers: Orphanet 464738, MedGen C4225323, MONDO:0014643, OMIM 616449.
MED25-related disorders.

Allele frequency attached by ClinVar (database versions not stated): gnomAD exomes below 0.00001; ExAC 0.00001.
gnomAD v4.1: 1 of 1,614,036 alleles (0.000062%); highest among the groups gnomAD compares: Non-Finnish European, 0.000085%; no homozygotes.

Submissions (6):

CeGaT Center for Human Genetics Tuebingen
Classification: Uncertain significance. Last evaluated: 2023-03-01. Review status: criteria provided, single submitter. Criteria: CeGaT Center For Human Genetics Tuebingen Variant Classification Criteria Version 2. Collection method: clinical testing. Allele origin: germline. Affected: yes. Observed: 1 variant allele.
Comment: MED25: PM2, PM3

Labcorp Genetics (formerly Invitae), Labcorp
Classification: Uncertain significance for Charcot-Marie-Tooth disease type 2. Last evaluated: 2021-12-18. Review status: criteria provided, single submitter. Criteria: Invitae Variant Classification Sherloc (09022015). Collection method: clinical testing. Allele origin: germline.
Comment: In summary, the available evidence is currently insufficient to determine the role of this variant in disease. Therefore, it has been classified as a Variant of Uncertain Significance. Algorithms developed to predict the effect of missense changes on protein structure and function are either unavailable or do not agree on the potential impact of this missense change (SIFT: "Deleterious"; PolyPhen-2: "Probably Damaging"; Align-GVGD: "Class C15"). ClinVar contains an entry for this variant (Variation ID: 1030940). This missense change has been observed in individual(s) with Basel-Vanagaite-Smirin-Yosef syndrome and/or clinical features of Basel-Vanagaite-Smirin-Yosef syndrome (PMID: 28170084, 32324310). This variant is present in population databases (rs751058652, gnomAD 0.0009%). This sequence change replaces aspartic acid, which is acidic and polar, with valine, which is neutral and non-polar, at codon 126 of the MED25 protein (p.Asp126Val).

Blueprint Genetics
Classification: Likely pathogenic for MED25-related disorders. Last evaluated: 2020-10-27. Review status: criteria provided, single submitter. Criteria: ACMG Guidelines, 2015. Collection method: clinical testing. Allele origin: germline. Affected: yes. Observed: 3 variant alleles.

Baylor Genetics
Classification: Uncertain significance for Congenital cataract-microcephaly-nevus flammeus simplex-severe intellectual disability syndrome. Last evaluated: 2020-09-19. Review status: criteria provided, single submitter. Criteria: ACMG Guidelines, 2015. Collection method: clinical testing. Allele origin: unknown. Affected: yes.
Comment: This variant was determined to be of uncertain significance according to ACMG Guidelines, 2015 [PMID:25741868].

GeneDx
Classification: Uncertain significance. Last evaluated: 2019-05-21. Review status: criteria provided, single submitter. Criteria: GeneDx Variant Classification Process June 2021. Collection method: clinical testing. Allele origin: germline. Affected: yes.
Comment: Observed in apparent homozygous state in the published literature (Balci et al., 2017) in two siblings of consanguineous Lebanese ancestry with cleft lip/palate and developmental delay and in heterozygous state in another sibling with cleft lip who was developmentally normal and not observed in homozygous state in controls; Not observed at a significant frequency in large population cohorts (Lek et al., 2016); In silico analysis, which includes protein predictors and evolutionary conservation, supports a deleterious effect; This variant is associated with the following publications: (PMID: 28170084, 32324310)

Daryl Scott Lab, Baylor College of Medicine
Classification: Uncertain significance for Congenital cataract-microcephaly-nevus flammeus simplex-severe intellectual disability syndrome. Review status: criteria provided, single submitter. Criteria: ACMG Guidelines, 2015. Collection method: clinical testing. Allele origin: biparental. Affected: yes.
Comment: PM2, PP3

Literature cited by the submitters: PubMed 28170084 (cited by Labcorp Genetics (formerly Invitae), Labcorp); PubMed 32324310 (cited by Labcorp Genetics (formerly Invitae), Labcorp).

NM_030973.4(MED25):c.377A>T (p.Asp126Val)

Gene: MED25 (mediator complex subunit 25; plus strand). Cytogenetic location: 19q13.33.
Variant type: single nucleotide variant.
Coding change: c.377A>T on transcript NM_030973.4 (MANE Select); coding-DNA position 377, A replaced by T.
Protein change: p.Asp126Val; replaces aspartic acid 126 with valine.
Molecular consequence: missense variant.
Genome position (GRCh38, 1-based): chr19:49,828,520, A>T. VCF-style: chr19-49828520-A-T. GRCh37 (hg19) VCF-style: chr19-50331777-A-T.
Other names: c.377A>T, p.Asp126Val (NM_001378355.1); short protein forms D126V.
Identifiers: ClinVar variation 1030940 (VCV001030940.37), dbSNP rs751058652, ClinGen allele CA9584822.